The following is an entry in ClinVar:

ClinVar aggregate classification (germline): Uncertain significance (1 of 4 stars; one submission).

Conditions:
Long QT syndrome (LQTS). Identifiers: MedGen C0023976, MeSH D008133, MONDO:0002442. Disease mechanism: loss of function. Inheritance: Various modes of inheritance.

Submission:

Labcorp Genetics (formerly Invitae), Labcorp
Classification: Uncertain significance for Long QT syndrome. Last evaluated: 2024-02-17. Review status: criteria provided, single submitter. Criteria: Invitae Variant Classification Sherloc (09022015). Collection method: clinical testing. Allele origin: germline.
Comment: This sequence change replaces aspartic acid, which is acidic and polar, with glutamic acid, which is acidic and polar, at codon 55 of the CAV3 protein (p.Asp55Glu). This variant is not present in population databases (gnomAD no frequency). This variant has not been reported in the literature in individuals affected with CAV3-related conditions. ClinVar contains an entry for this variant (Variation ID: 1009203). An algorithm developed to predict the effect of missense changes on protein structure and function (PolyPhen-2) suggests that this variant is likely to be disruptive. In summary, the available evidence is currently insufficient to determine the role of this variant in disease. Therefore, it has been classified as a Variant of Uncertain Significance.

NM_033337.3(CAV3):c.165C>G (p.Asp55Glu)

Genes: OXTR (oxytocin receptor; minus strand), CAV3 (caveolin 3; plus strand). Cytogenetic location: 3p25.3.
Variant type: single nucleotide variant.
Coding change: c.165C>G on transcript NM_033337.3 (MANE Select); coding-DNA position 165, C replaced by G.
Protein change: p.Asp55Glu; replaces aspartic acid 55 with glutamic acid.
Molecular consequence: missense variant.
Genome position (GRCh38, 1-based): chr3:8,745,576, C>G. VCF-style: chr3-8745576-C-G. GRCh37 (hg19) VCF-style: chr3-8787262-C-G.
Other names: c.165C>G, p.Asp55Glu (NM_001234.5); short protein forms D55E.
Identifiers: ClinVar variation 1009203 (VCV001009203.5), dbSNP rs759446749, ClinGen allele CA351663211.